The following is an entry in ClinVar:

NM_006904.7(PRKDC):c.4910C>T (p.Ser1637Phe)

Gene: PRKDC (protein kinase, DNA-activated, catalytic subunit; minus strand). Cytogenetic location: 8q11.21.
Variant type: single nucleotide variant.
Coding change: c.4910C>T on transcript NM_006904.7 (MANE Select); coding-DNA position 4910, C replaced by T.
Protein change: p.Ser1637Phe; replaces serine 1637 with phenylalanine.
Molecular consequence: missense variant.
Genome position (GRCh38, 1-based): chr8:47,881,964, G>A on the plus strand (C>T on the coding strand, the complement: PRKDC is on the minus strand). VCF-style: chr8-47881964-G-A. GRCh37 (hg19) VCF-style: chr8-48794525-G-A.
Other names: c.4910C>T, p.Ser1637Phe (NM_001081640.2); short protein forms S1637F.
Identifiers: ClinVar variation 2449805 (VCV002449805.2), dbSNP rs2551872691, ClinGen allele CA371141663.
Genomic context (GRCh38, chr8:47,881,964, plus strand): 5'-TTGAATACCTGTAAAATTTTTGCCAGTAAGGCCAGCACTGCCATTTTAGTTTCGAGAGGG[G>A]AATCTTTGGCCCACCATGAATCACACTTCTTCCAGTGTTGCAGAATTGTAGTCGCAAGTT-3'
Protein context (NP_008835.5, residues 1627-1647): KKCDSWWAKD[Ser1637Phe]PLETKMAVLA

ClinVar aggregate classification (germline): Uncertain significance (1 of 4 stars; one submission).

Submission:

Ambry Genetics
Classification: Uncertain significance. Last evaluated: 2022-11-04. Review status: criteria provided, single submitter. Criteria: Ambry Variant Classification Scheme 2023. Collection method: clinical testing. Allele origin: germline.
Comment: The p.S1637F variant (also known as c.4910C>T), located in coding exon 37 of the PRKDC gene, results from a C to T substitution at nucleotide position 4910. The serine at codon 1637 is replaced by phenylalanine, an amino acid with highly dissimilar properties. This amino acid position is conserved. Since supporting evidence is limited at this time, the clinical significance of this alteration remains unclear.